The following is an entry in ClinVar:

ClinVar aggregate classification (germline): Uncertain significance (1 of 4 stars; one submission).

Allele frequency attached by ClinVar (database versions not stated): TOPMed 0.00002; gnomAD exomes 0.00004; gnomAD 0.00001; ESP Exome Variant Server 0.00008; ExAC 0.00002.
gnomAD v4.1: 51 of 1,614,088 alleles (0.0032%); highest among the groups gnomAD compares: Non-Finnish European, 0.0042%; no homozygotes.

Submission:

Labcorp Genetics (formerly Invitae), Labcorp
Classification: Uncertain significance. Last evaluated: 2025-03-31. Review status: criteria provided, single submitter. Criteria: Invitae Variant Classification Sherloc (09022015). Collection method: clinical testing. Allele origin: germline.
Comment: This sequence change replaces glutamic acid, which is acidic and polar, with lysine, which is basic and polar, at codon 476 of the LONP1 protein (p.Glu476Lys). This variant is present in population databases (rs373173786, gnomAD 0.003%). This variant has not been reported in the literature in individuals affected with LONP1-related conditions. ClinVar contains an entry for this variant (Variation ID: 1906745). Invitae Evidence Modeling of protein sequence and biophysical properties (such as structural, functional, and spatial information, amino acid conservation, physicochemical variation, residue mobility, and thermodynamic stability) has been performed for this missense variant. However, the output from this modeling did not meet the statistical confidence thresholds required to predict the impact of this variant on LONP1 protein function. In summary, the available evidence is currently insufficient to determine the role of this variant in disease. Therefore, it has been classified as a Variant of Uncertain Significance.

NM_004793.4(LONP1):c.1426G>A (p.Glu476Lys)

Gene: LONP1 (lon peptidase 1, mitochondrial; minus strand). Cytogenetic location: 19p13.3.
Variant type: single nucleotide variant.
Coding change: c.1426G>A on transcript NM_004793.4 (MANE Select); coding-DNA position 1426, G replaced by A.
Protein change: p.Glu476Lys; replaces glutamic acid 476 with lysine.
Molecular consequence: missense variant. On other transcripts: non-coding transcript variant (1).
Genome position (GRCh38, 1-based): chr19:5,700,869, C>T on the plus strand (G>A on the coding strand, the complement: LONP1 is on the minus strand). VCF-style: chr19-5700869-C-T. GRCh37 (hg19) VCF-style: chr19-5700880-C-T.
Other names: c.1234G>A, p.Glu412Lys (NM_001276479.2); c.838G>A, p.Glu280Lys (NM_001276480.1); short protein forms E280K, E476K, E412K.
Identifiers: ClinVar variation 1906745 (VCV001906745.5), dbSNP rs373173786, ClinGen allele CA9114691.